The following is an entry in ClinVar:

NM_001365999.1(SZT2):c.670C>T (p.Arg224Trp)

Gene: SZT2 (SZT2 subunit of KICSTOR complex; plus strand). Cytogenetic location: 1p34.2.
Variant type: single nucleotide variant.
Coding change: c.670C>T on transcript NM_001365999.1 (MANE Select); coding-DNA position 670, C replaced by T.
Protein change: p.Arg224Trp; replaces arginine 224 with tryptophan.
Molecular consequence: missense variant.
Genome position (GRCh38, 1-based): chr1:43,415,999, C>T. VCF-style: chr1-43415999-C-T. GRCh37 (hg19) VCF-style: chr1-43881670-C-T.
Other names: c.670C>T, p.Arg224Trp (NM_015284.4); short protein forms R224W.
Identifiers: ClinVar variation 870405 (VCV000870405.11), dbSNP rs930525688, ClinGen allele CA21626280.
Genomic context (GRCh38, chr1:43,415,999, plus strand): 5'-CTTTTCTGTAACTTGGGGCAGGCAGAAGACCAGTCCCCAGACTCAGGGGACCTACTGGGC[C>T]GGAAGGTAGGCGTCTCCATGGTGACAGCTGATCTTGGGCTGGTCAGTATGATTCGTCAGG-3'
Protein context (NP_001352928.1, residues 214-234): QSPDSGDLLG[Arg224Trp]KVGVSMVTAD

ClinVar aggregate classification (germline): Uncertain significance. Review status: criteria provided, multiple submitters, no conflicts (2 of 4 stars). 4 submissions from 4 submitters: Uncertain significance (4). Last evaluated 2025-11-24.

Conditions:
Inborn genetic diseases. Identifiers: MedGen C0950123, MeSH D030342.
Developmental and epileptic encephalopathy, 18 (DEE18). Also called: Early infantile epileptic encephalopathy 18. Identifiers: Orphanet 369894, MedGen C3809624, MONDO:0014201, OMIM 615476.

Allele frequency attached by ClinVar (database versions not stated): gnomAD exomes 0.00002; gnomAD 0.00004; TOPMed 0.00005.

Submissions (4):

Ambry Genetics
Classification: Uncertain significance for Inborn genetic diseases. Last evaluated: 2025-11-24. Review status: criteria provided, single submitter. Criteria: Ambry Variant Classification Scheme 2023. Collection method: clinical testing. Allele origin: germline.

Labcorp Genetics (formerly Invitae), Labcorp
Classification: Uncertain significance. Last evaluated: 2023-08-10. Review status: criteria provided, single submitter. Criteria: Invitae Variant Classification Sherloc (09022015). Collection method: clinical testing. Allele origin: germline.
Comment: This sequence change replaces arginine, which is basic and polar, with tryptophan, which is neutral and slightly polar, at codon 224 of the SZT2 protein (p.Arg224Trp). This variant is present in population databases (no rsID available, gnomAD 0.005%). This variant has not been reported in the literature in individuals affected with SZT2-related conditions. ClinVar contains an entry for this variant (Variation ID: 870405). Advanced modeling of protein sequence and biophysical properties (such as structural, functional, and spatial information, amino acid conservation, physicochemical variation, residue mobility, and thermodynamic stability) performed at Invitae indicates that this missense variant is not expected to disrupt SZT2 protein function. Algorithms developed to predict the effect of sequence changes on RNA splicing suggest that this variant may disrupt the consensus splice site. In summary, the available evidence is currently insufficient to determine the role of this variant in disease. Therefore, it has been classified as a Variant of Uncertain Significance.

Genome-Nilou Lab
Classification: Uncertain significance for Developmental and epileptic encephalopathy, 18. Last evaluated: 2023-04-11. Review status: criteria provided, single submitter. Criteria: ACMG Guidelines, 2015. Collection method: clinical testing. Allele origin: germline. Affected: no.

Victorian Clinical Genetics Services, Murdoch Childrens Research Institute
Classification: Uncertain significance for Developmental and epileptic encephalopathy, 18. Last evaluated: 2018-09-13. Review status: criteria provided, single submitter. Criteria: ACMG Guidelines, 2015. Collection method: clinical testing. Allele origin: maternal. Affected: yes. Observed: 2 variant alleles.
Comment: A heterozygous missense variant, NM_015284.3(SZT2):c.670C>T, has been identified in exon 6 of 71 of the SZT2 gene. The variant is predicted to result in a major amino acid change from an arginine to a tryptophan at position 224 of the protein, NP_056099.3(SZT2):p.(Arg224Trp). The arginine residue at this position has high conservation (100 vertebrates, UCSC), but is not located within a well established functional domain. In silico predictions of pathogenicity for this variant are conflicting (Polyphen, SIFT, CADD, Mutation Taster). The variant is present in the gnomAD database at a frequency of 0.0022% (5 heterozygotes, 0 homozygotes). This variant has not been previously reported in clinical cases. Based on the information available at the time of curation, this variant has been classified as VARIANT of UNCERTAIN SIGNIFICANCE (VUS) with POTENTIAL CLINICAL RELEVANCE.